The following is an entry in ClinVar:

NM_014334.4(FRRS1L):c.517C>T (p.Gln173Ter)

Gene: FRRS1L (ferric chelate reductase 1 like; minus strand). Cytogenetic location: 9q31.3.
Variant type: single nucleotide variant.
Coding change: c.517C>T on transcript NM_014334.4 (MANE Select); coding-DNA position 517, C replaced by T.
Protein change: p.Gln173Ter; replaces glutamine 173 with a stop codon.
Molecular consequence: nonsense.
Genome position (GRCh38, 1-based): chr9:109,141,535, G>A on the plus strand (C>T on the coding strand, the complement: FRRS1L is on the minus strand). VCF-style: chr9-109141535-G-A. GRCh37 (hg19) VCF-style: chr9-111903815-G-A.
Other names: c.670C>T (NM_014334.3); short protein forms Q173*.
Identifiers: ClinVar variation 659759 (VCV000659759.9), dbSNP rs1564229174, ClinGen allele CA374424892.

ClinVar aggregate classification (germline): Pathogenic. Review status: criteria provided, multiple submitters, no conflicts (2 of 4 stars). 3 submissions from 3 submitters: Pathogenic (3). Last evaluated 2025-06-01.

Conditions:
Developmental and epileptic encephalopathy, 37 (DEE37). Also called: Epileptic encephalopathy, early infantile, 37. Identifiers: MedGen C4310770, MONDO:0014859, OMIM 616981.

Allele frequency attached by ClinVar (database versions not stated): gnomAD exomes below 0.00001.
gnomAD v4.1: 1 of 1,613,924 alleles (0.000062%); highest among the groups gnomAD compares: African/African-American, 0.0013%; no homozygotes.

Submissions (3):

3billion
Classification: Pathogenic for Developmental and epileptic encephalopathy, 37. Last evaluated: 2025-06-01. Review status: criteria provided, single submitter. Criteria: ACMG Guidelines, 2015. Collection method: clinical testing. Allele origin: germline. Affected: yes.
Comment: The variant is observed at an extremely low frequency in the gnomAD v4.1.0 dataset (total allele frequency: <0.001%). Predicted Consequence/Location: Stop-gained (nonsense): predicted to result in a loss or disruption of normal protein function through nonsense-mediated decay (NMD) or protein truncation. Multiple pathogenic variants are reported downstream of the variant. The variant has been reported to be associated with FRRS1L-related disorder (ClinVar ID: VCV000659759 /PMID: 34483011). Therefore, this variant is classified as Pathogenic according to the recommendation of ACMG/AMP guideline.

Revvity Omics, Revvity
Classification: Pathogenic for Developmental and epileptic encephalopathy, 37. Last evaluated: 2024-09-13. Review status: criteria provided, single submitter. Criteria: ACMG Guidelines, 2015. Collection method: clinical testing. Allele origin: germline.

Labcorp Genetics (formerly Invitae), Labcorp
Classification: Pathogenic for Developmental and epileptic encephalopathy, 37. Last evaluated: 2018-09-21. Review status: criteria provided, single submitter. Criteria: Invitae Variant Classification Sherloc (09022015). Collection method: clinical testing. Allele origin: germline.
Comment: This sequence change creates a premature translational stop signal (p.Gln224*) in the FRRS1L gene. It is expected to result in an absent or disrupted protein product. This variant is not present in population databases (ExAC no frequency). This variant has not been reported in the literature in individuals with FRRS1L-related disease. Loss-of-function variants in FRRS1L are known to be pathogenic (PMID: 27236917). For these reasons, this variant has been classified as Pathogenic.

Literature cited by the submitters: PubMed 34483011 (cited by 3billion); PubMed 27236917 (cited by Labcorp Genetics (formerly Invitae), Labcorp).